The following is an entry in ClinVar:

ClinVar aggregate classification (germline): Uncertain significance (1 of 4 stars; one submission).

gnomAD v4.1: 1 of 1,613,580 alleles (0.000062%); highest among the groups gnomAD compares: Non-Finnish European, 0.000085%; no homozygotes.

Submission:

GeneDx
Classification: Uncertain significance. Last evaluated: 2025-01-15. Review status: criteria provided, single submitter. Criteria: GeneDx Variant Classification Process June 2021. Collection method: clinical testing. Allele origin: germline. Affected: yes.
Comment: Not observed at significant frequency in large population cohorts (gnomAD); In silico analysis indicates that this missense variant does not alter protein structure/function; Has not been previously published as pathogenic or benign to our knowledge

NM_194248.3(OTOF):c.209G>A (p.Ser70Asn)

Gene: OTOF (otoferlin; minus strand). Cytogenetic location: 2p23.3.
Variant type: single nucleotide variant.
Coding change: c.209G>A on transcript NM_194248.3 (MANE Select); coding-DNA position 209, G replaced by A.
Protein change: p.Ser70Asn; replaces serine 70 with asparagine.
Molecular consequence: missense variant.
Genome position (GRCh38, 1-based): chr2:26,527,850, C>T on the plus strand (G>A on the coding strand, the complement: OTOF is on the minus strand). VCF-style: chr2-26527850-C-T. GRCh37 (hg19) VCF-style: chr2-26750718-C-T.
Other names: c.209G>A, p.Ser70Asn (NM_001287489.2); short protein forms S70N.
Identifiers: ClinVar variation 4070691 (VCV004070691.1).